The following is an entry in ClinVar:

NM_173491.4(LSM11):c.108C>T (p.Ala36=)

Genes: LSM11 (LSM11, U7 small nuclear RNA associated; plus strand), LOC129995145 (ATAC-STARR-seq lymphoblastoid silent region 16563; plus strand). Cytogenetic location: 5q33.3.
Variant type: single nucleotide variant.
Coding change: c.108C>T on transcript NM_173491.4 (MANE Select); coding-DNA position 108, C replaced by T.
Protein change: p.Ala36=; no amino-acid change (alanine 36 retained).
Molecular consequence: synonymous variant.
Genome position (GRCh38, 1-based): chr5:157,743,858, C>T. VCF-style: chr5-157743858-C-T. GRCh37 (hg19) VCF-style: chr5-157170866-C-T.
Identifiers: ClinVar variation 2656004 (VCV002656004.24), dbSNP rs1411520933, ClinGen allele CA447679781.

ClinVar aggregate classification (germline): Likely benign (1 of 4 stars; one submission).

Allele frequency attached by ClinVar (database versions not stated): gnomAD exomes below 0.00001.
gnomAD v4.1: 2 of 1,560,096 alleles (0.00013%); highest among the groups gnomAD compares: African/African-American, 0.0014%; no homozygotes.

Submission:

CeGaT Center for Human Genetics Tuebingen
Classification: Likely benign. Last evaluated: 2023-01-01. Review status: criteria provided, single submitter. Criteria: CeGaT Center For Human Genetics Tuebingen Variant Classification Criteria Version 2. Collection method: clinical testing. Allele origin: germline. Affected: yes. Observed: 1 variant allele.
Comment: LSM11: BP4, BP7